The following is an entry in ClinVar:

ClinVar aggregate classification (germline): Uncertain significance (1 of 4 stars; one submission).

Conditions:
Hereditary cancer-predisposing syndrome. Also called: Neoplastic Syndromes, Hereditary; Tumor predisposition; Hereditary Cancer Syndrome; Hereditary neoplastic syndrome. Identifiers: Orphanet 140162, MedGen C0027672, MeSH D009386, MONDO:0015356.

gnomAD v4.1: 2 of 1,614,080 alleles (0.00012%); highest among the groups gnomAD compares: Non-Finnish European, 0.00017%; no homozygotes.

Submission:

Ambry Genetics
Classification: Uncertain significance for Hereditary cancer-predisposing syndrome. Last evaluated: 2024-10-31. Review status: criteria provided, single submitter. Criteria: Ambry Variant Classification Scheme 2023. Collection method: clinical testing. Allele origin: germline.
Comment: The p.M2232I variant (also known as c.6696G>A), located in coding exon 48 of the POLE gene, results from a G to A substitution at nucleotide position 6696. The methionine at codon 2232 is replaced by isoleucine, an amino acid with highly similar properties. This amino acid position is conserved. In addition, the in silico prediction for this alteration is inconclusive. Based on the available evidence, the clinical significance of this variant remains unclear.

NM_006231.4(POLE):c.6696G>A (p.Met2232Ile)

Gene: POLE (DNA polymerase epsilon, catalytic subunit; minus strand). Cytogenetic location: 12q24.33.
Variant type: single nucleotide variant.
Coding change: c.6696G>A on transcript NM_006231.4 (MANE Select); coding-DNA position 6696, G replaced by A.
Protein change: p.Met2232Ile; replaces methionine 2232 with isoleucine.
Molecular consequence: missense variant.
Genome position (GRCh38, 1-based): chr12:132,624,956, C>T on the plus strand (G>A on the coding strand, the complement: POLE is on the minus strand). VCF-style: chr12-132624956-C-T. GRCh37 (hg19) VCF-style: chr12-133201542-C-T.
Other names: short protein forms M2232I.
Identifiers: ClinVar variation 3422076 (VCV003422076.1).